The following is an entry in ClinVar:

ClinVar aggregate classification (germline): Uncertain significance. Review status: criteria provided, multiple submitters, no conflicts (2 of 4 stars). 4 submissions from 4 submitters: Uncertain significance (3). 1 of the submissions does not count toward it. Last evaluated 2024-02-13.

Conditions:
Vitamin D-dependent rickets, type 1A. Also called: VITAMIN D HYDROXYLATION-DEFICIENT RICKETS, TYPE 1A; PDDR IA; PSEUDOVITAMIN D-DEFICIENCY RICKETS, TYPE IA. Identifiers: MedGen CN283242, MONDO:0020723, OMIM 264700.
Vitamin D-dependent rickets, type 1 (VDD1). Also called: VITAMIN D DEPENDENCY, TYPE 1. Identifiers: Orphanet 289157, MedGen C0268689, MONDO:0009924.

Allele frequency attached by ClinVar (database versions not stated): ExAC 0.00009; gnomAD exomes 0.00013 and 0.00034; gnomAD 0.00021 and 0.00023; TOPMed 0.00025; ESP Exome Variant Server 0.00031.

Submissions (4):

Fulgent Genetics
Classification: Uncertain significance for Vitamin D-dependent rickets, type 1A. Last evaluated: 2024-02-13. Review status: criteria provided, single submitter. Criteria: ACMG Guidelines, 2015. Collection method: clinical testing. Allele origin: germline.

Labcorp Genetics (formerly Invitae), Labcorp
Classification: Uncertain significance. Last evaluated: 2022-07-21. Review status: criteria provided, single submitter. Criteria: Invitae Variant Classification Sherloc (09022015). Collection method: clinical testing. Allele origin: germline.
Comment: This sequence change replaces arginine, which is basic and polar, with cysteine, which is neutral and slightly polar, at codon 14 of the CYP27B1 protein (p.Arg14Cys). This variant is present in population databases (rs150648140, gnomAD 0.03%). This variant has not been reported in the literature in individuals affected with CYP27B1-related conditions. ClinVar contains an entry for this variant (Variation ID: 310004). Algorithms developed to predict the effect of missense changes on protein structure and function are either unavailable or do not agree on the potential impact of this missense change (SIFT: "Tolerated"; PolyPhen-2: "Possibly Damaging"; Align-GVGD: "Class C15"). In summary, the available evidence is currently insufficient to determine the role of this variant in disease. Therefore, it has been classified as a Variant of Uncertain Significance.

Illumina Laboratory Services, Illumina
Classification: Uncertain significance for Vitamin D-dependent rickets, type 1A. Last evaluated: 2018-01-12. Review status: criteria provided, single submitter. Criteria: ICSL Variant Classification Criteria 13 December 2019. Collection method: clinical testing. Allele origin: germline.

Molecular Genetics Laboratory, Biobizkaia Health Research Institute
Classification: Uncertain significance for Vitamin D-dependent rickets, type 1A. Last evaluated: 2024-03-08. Review status: no assertion criteria provided. Collection method: clinical testing. Allele origin: germline. Not counted in ClinVar's aggregate classification.

NM_000785.4(CYP27B1):c.40C>T (p.Arg14Cys)

Gene: CYP27B1 (cytochrome P450 family 27 subfamily B member 1; minus strand). Cytogenetic location: 12q14.1.
Variant type: single nucleotide variant.
Coding change: c.40C>T on transcript NM_000785.4 (MANE Select); coding-DNA position 40, C replaced by T.
Protein change: p.Arg14Cys; replaces arginine 14 with cysteine.
Molecular consequence: missense variant.
Genome position (GRCh38, 1-based): chr12:57,767,002, G>A on the plus strand (C>T on the coding strand, the complement: CYP27B1 is on the minus strand). VCF-style: chr12-57767002-G-A. GRCh37 (hg19) VCF-style: chr12-58160785-G-A.
Other names: short protein forms R14C.
Identifiers: ClinVar variation 310004 (VCV000310004.10), dbSNP rs150648140, ClinGen allele CA6658562.